The following is an entry in ClinVar:

NM_001384732.1(CPLANE1):c.6989del (p.Gln2330fs)

Gene: CPLANE1 (ciliogenesis and planar polarity effector complex subunit 1; minus strand). Cytogenetic location: 5p13.2.
Variant type: Deletion.
Coding change: c.6989del on transcript NM_001384732.1 (MANE Select); coding-DNA position 6989, one base deleted (A; older notation c.6989delA).
Protein change: p.Gln2330fs; shifts the reading frame from glutamine 2330.
Molecular consequence: frameshift variant.
Genome position (GRCh38, 1-based): chr5:37,169,035, T deleted on the plus strand (A on the coding strand, the reverse complement: CPLANE1 is on the minus strand). VCF-style (leftmost placement, unchanged base first): chr5-37169034-CT-C. GRCh37 (hg19) VCF-style: chr5-37169136-CT-C.
Other names: c.6989del, p.Gln2330fs (NM_023073.4); short protein forms Q2330fs.
Identifiers: ClinVar variation 4711241 (VCV004711241.1).

ClinVar aggregate classification (germline): Pathogenic (1 of 4 stars; one submission).

Submission:

Labcorp Genetics (formerly Invitae), Labcorp
Classification: Pathogenic. Last evaluated: 2025-04-07. Review status: criteria provided, single submitter. Criteria: Invitae Variant Classification Sherloc (09022015). Collection method: clinical testing. Allele origin: germline.
Comment: This sequence change creates a premature translational stop signal (p.Gln2330Argfs*7) in the CPLANE1 gene. It is expected to result in an absent or disrupted protein product. Loss-of-function variants in CPLANE1 are known to be pathogenic (PMID: 24178751, 26092869). This variant is not present in population databases (gnomAD no frequency). This variant has not been reported in the literature in individuals affected with CPLANE1-related conditions. For these reasons, this variant has been classified as Pathogenic.

Literature cited by the submitters: PubMed 24178751; PubMed 26092869.